The following is an entry in ClinVar:

NM_015164.4(PLEKHM2):c.2593A>T (p.Met865Leu)

Gene: PLEKHM2 (pleckstrin homology and RUN domain containing M2; plus strand). Cytogenetic location: 1p36.21.
Variant type: single nucleotide variant.
Coding change: c.2593A>T on transcript NM_015164.4 (MANE Select); coding-DNA position 2593, A replaced by T.
Protein change: p.Met865Leu; replaces methionine 865 with leucine.
Molecular consequence: missense variant.
Genome position (GRCh38, 1-based): chr1:15,732,016, A>T. VCF-style: chr1-15732016-A-T. GRCh37 (hg19) VCF-style: chr1-16058511-A-T.
Other names: c.2533A>T, p.Met845Leu (NM_001410755.1); short protein forms M845L, M865L.
Identifiers: ClinVar variation 2007515 (VCV002007515.4), dbSNP rs2522476537, ClinGen allele CA338573986.
Genomic context (GRCh38, chr1:15,732,016, plus strand): 5'-CTCTCCGACCGGCCCTGCCTGGAGCTAAGTGCCGAGAGCGAGGCCGAGATGGCCGAGTGG[A>T]TGCAGCATCTCTGCCAGGCTGTGTCCAAAGGGGTGAGCTTCGCCTGCCCCTACCGCTCAC-3'
Protein context (NP_055979.2, residues 855-875): AESEAEMAEW[Met865Leu]QHLCQAVSKG

ClinVar aggregate classification (germline): Uncertain significance (1 of 4 stars; one submission).

Submission:

Labcorp Genetics (formerly Invitae), Labcorp
Classification: Uncertain significance. Last evaluated: 2022-06-16. Review status: criteria provided, single submitter. Criteria: Invitae Variant Classification Sherloc (09022015). Collection method: clinical testing. Allele origin: germline.
Comment: This sequence change replaces methionine, which is neutral and non-polar, with leucine, which is neutral and non-polar, at codon 865 of the PLEKHM2 protein (p.Met865Leu). This variant is not present in population databases (gnomAD no frequency). This variant has not been reported in the literature in individuals affected with PLEKHM2-related conditions. Algorithms developed to predict the effect of missense changes on protein structure and function are either unavailable or do not agree on the potential impact of this missense change (SIFT: "Tolerated"; PolyPhen-2: "Possibly Damaging"; Align-GVGD: "Class C0"). In summary, the available evidence is currently insufficient to determine the role of this variant in disease. Therefore, it has been classified as a Variant of Uncertain Significance.